The following is an entry in ClinVar:

NM_000142.5(FGFR3):c.1091T>A (p.Val364Glu)

Gene: FGFR3 (fibroblast growth factor receptor 3; plus strand). Cytogenetic location: 4p16.3.
Variant type: single nucleotide variant.
Coding change: c.1091T>A on transcript NM_000142.5 (MANE Select); coding-DNA position 1091, T replaced by A.
Protein change: p.Val364Glu; replaces valine 364 with glutamic acid.
Molecular consequence: missense variant. On other transcripts: non-coding transcript variant (1), intron variant (1).
Genome position (GRCh38, 1-based): chr4:1,804,345, T>A. VCF-style: chr4-1804345-T-A. GRCh37 (hg19) VCF-style: chr4-1806072-T-A.
Other names: c.1097T>A, p.Val366Glu (NM_001163213.2); c.1091T>A, p.Val364Glu (NM_001354809.2, NM_001354810.2); c.931-479T>A (NM_022965.4); short protein forms V364E, V366E.
Identifiers: ClinVar variation 4985870 (VCV004985870.1).

ClinVar aggregate classification (germline): Uncertain significance (1 of 4 stars; one submission).

Conditions:
FGFR3-related disorder. Also called: FGFR3-related disorders.

gnomAD v4.1: 4 of 1,607,762 alleles (0.00025%); highest among the groups gnomAD compares: African/African-American, 0.0013%; no homozygotes.

Submission:

PreventionGenetics, part of Exact Sciences
Classification: Uncertain significance for FGFR3-related condition. Last evaluated: 2026-05-06. Review status: criteria provided, single submitter. Criteria: ACMG Guidelines, 2015. Collection method: clinical testing. Allele origin: germline.
Comment: The FGFR3 c.1091T>A variant is predicted to result in the amino acid substitution p.Val364Glu. To our knowledge, this variant has not been reported in the literature. This variant is reported in 0.0065% of alleles in individuals of European (Non-Finnish) descent in gnomAD. At this time, the clinical significance of this variant is uncertain due to the absence of conclusive functional and genetic evidence.